The following is an entry in ClinVar:

NM_005614.4(RHEB):c.110C>T (p.Pro37Leu)

Gene: RHEB (Ras homolog, mTORC1 binding; minus strand). Cytogenetic location: 7q36.1.
Variant type: single nucleotide variant.
Coding change: c.110C>T on transcript NM_005614.4 (MANE Select); coding-DNA position 110, C replaced by T.
Protein change: p.Pro37Leu; replaces proline 37 with leucine.
Molecular consequence: missense variant.
Genome position (GRCh38, 1-based): chr7:151,490,957, G>A on the plus strand (C>T on the coding strand, the complement: RHEB is on the minus strand). VCF-style: chr7-151490957-G-A. GRCh37 (hg19) VCF-style: chr7-151188043-G-A.
Other names: short protein forms P37L.
Identifiers: ClinVar variation 4077173 (VCV004077173.1).
Genomic context (GRCh38, chr7:151,490,957, plus strand): 5'-CAAAAGAAGGCTTCTCAGTTTTTAAGTACTTGAAAACAATACTTACTGTTTTCTATGGTT[G>A]GATCGTAGGAGTCCACAAATTGGCCTTCAACAAATTGAATCGTCAATGAGGATTTCCCTA-3'
Protein context (NP_005605.1, residues 27-47): VEGQFVDSYD[Pro37Leu]TIENTFTKLI

ClinVar aggregate classification (germline): Pathogenic (1 of 4 stars; one submission).

Submission:

GeneDx
Classification: Pathogenic. Last evaluated: 2025-02-28. Review status: criteria provided, single submitter. Criteria: GeneDx Variant Classification Process June 2021. Collection method: clinical testing. Allele origin: germline. Affected: yes.
Comment: In vivo studies in zebrafish and mice demonstrated that P37L resulted in the increase of cell and head size and induced neuronal migration deficits leading to seizures (PMID: 29051493); Not observed at significant frequency in large population cohorts (gnomAD); In silico analysis supports that this missense variant has a deleterious effect on protein structure/function; This variant is associated with the following publications: (PMID: 33057194, 35982159, 29051493)